The following is an entry in ClinVar:

ClinVar aggregate classification (germline): Pathogenic. Review status: criteria provided, multiple submitters, no conflicts (2 of 4 stars). 5 submissions from 5 submitters: Pathogenic (2). 3 of the submissions do not count toward it. Last evaluated 2024-02-20.

Conditions:
Finnish congenital nephrotic syndrome (NPHS1). Also called: NEPHROTIC SYNDROME, TYPE 1. Identifiers: Orphanet 839, MedGen C0403399, MONDO:0009732, OMIM 256300.

Allele frequency attached by ClinVar (database versions not stated): TOPMed 0.00001; gnomAD exomes 0.00001.
gnomAD v4.1: 14 of 1,613,974 alleles (0.00087%); highest among the groups gnomAD compares: African/African-American, 0.0013%; no homozygotes.

Submissions (5):

Labcorp Genetics (formerly Invitae), Labcorp
Classification: Pathogenic. Last evaluated: 2024-02-20. Review status: criteria provided, single submitter. Criteria: Invitae Variant Classification Sherloc (09022015). Collection method: clinical testing. Allele origin: germline.
Comment: This sequence change creates a premature translational stop signal (p.Gln178*) in the NPHS1 gene. It is expected to result in an absent or disrupted protein product. Loss-of-function variants in NPHS1 are known to be pathogenic (PMID: 11317351, 11854170, 12039988). This variant is present in population databases (rs386833951, gnomAD 0.007%). This premature translational stop signal has been observed in individual(s) with clinical features of nephrotic syndrome (PMID: 11317351). ClinVar contains an entry for this variant (Variation ID: 56513). For these reasons, this variant has been classified as Pathogenic.

Women's Health and Genetics/Laboratory Corporation of America, LabCorp
Classification: Pathogenic for Finnish congenital nephrotic syndrome. Last evaluated: 2020-10-04. Review status: criteria provided, single submitter. Criteria: LabCorp Variant Classification Summary - May 2015. Collection method: clinical testing. Allele origin: germline.
Comment: Variant summary: NPHS1 c.532C>T (p.Gln178X) results in a premature termination codon, predicted to cause a truncation of the encoded protein or absence of the protein due to nonsense mediated decay, which are commonly known mechanisms for disease. Truncations downstream of this position have been classified as pathogenic by our laboratory. The variant allele was found at a frequency of 1.2e-05 in 251468 control chromosomes. c.532C>T has been reported in the literature in individuals affected with Congenital/Steroid resistant Nephrotic Syndrome and subsequently cited by others (example, Beltcheva_2001, Sadowski_2015, Machuca_2010). To our knowledge, no experimental evidence demonstrating an impact on protein function has been reported. One clinical diagnostic laboratory has submitted clinical-significance assessments for this variant to ClinVar after 2014 without evidence for independent evaluation and classified the variant as pathogenic. Based on the evidence outlined above, the variant was classified as pathogenic.

Natera, Inc.
Classification: Pathogenic for Finnish congenital nephrotic syndrome. Last evaluated: 2020-11-25. Review status: no assertion criteria provided. Collection method: clinical testing. Allele origin: germline. Not counted in ClinVar's aggregate classification.

Counsyl
Classification: Pathogenic for Finnish congenital nephrotic syndrome. Last evaluated: 2016-10-17. Review status: no assertion criteria provided. Collection method: clinical testing. Allele origin: unknown. Not counted in ClinVar's aggregate classification.

Juha Muilu Group; Institute for Molecular Medicine Finland (FIMM)
Classification: Likely pathogenic for Finnish congenital nephrotic syndrome. Review status: no assertion criteria provided. Collection method: not provided. Allele origin: unknown. Not counted in ClinVar's aggregate classification.
Comment: FinDis database variant: This variant was not found or characterized by our laboratory, data were collected from public sources: see reference
ClinVar note: Converted during submission from probable-pathogenic to Likely pathogenic.

Literature cited by the submitters: PubMed 11317351 (cited by 3 submitters); PubMed 11854170 (cited by Labcorp Genetics (formerly Invitae), Labcorp); PubMed 12039988 (cited by Labcorp Genetics (formerly Invitae), Labcorp); PubMed 20507940 (cited by Women's Health and Genetics/Laboratory Corporation of America, LabCorp); PubMed 25349199 (cited by Women's Health and Genetics/Laboratory Corporation of America, LabCorp and Counsyl); PubMed 20852892 (cited by Women's Health and Genetics/Laboratory Corporation of America, LabCorp).

NM_004646.4(NPHS1):c.532C>T (p.Gln178Ter)

Gene: NPHS1 (NPHS1 adhesion molecule, nephrin; minus strand). Cytogenetic location: 19q13.12.
Variant type: single nucleotide variant.
Coding change: c.532C>T on transcript NM_004646.4 (MANE Select); coding-DNA position 532, C replaced by T.
Protein change: p.Gln178Ter; replaces glutamine 178 with a stop codon.
Molecular consequence: nonsense.
Genome position (GRCh38, 1-based): chr19:35,850,440, G>A on the plus strand (C>T on the coding strand, the complement: NPHS1 is on the minus strand). VCF-style: chr19-35850440-G-A. GRCh37 (hg19) VCF-style: chr19-36341342-G-A.
Other names: short protein forms Q178*.
Identifiers: ClinVar variation 56513 (VCV000056513.14), dbSNP rs386833951, ClinGen allele CA250254.